The following is an entry in ClinVar:

NM_001849.4(COL6A2):c.2120T>C (p.Leu707Pro)

Gene: COL6A2 (collagen type VI alpha 2 chain; plus strand). Cytogenetic location: 21q22.3.
Variant type: single nucleotide variant.
Coding change: c.2120T>C on transcript NM_001849.4 (MANE Select); coding-DNA position 2120, T replaced by C.
Protein change: p.Leu707Pro; replaces leucine 707 with proline.
Molecular consequence: missense variant.
Genome position (GRCh38, 1-based): chr21:46,125,935, T>C. VCF-style: chr21-46125935-T-C. GRCh37 (hg19) VCF-style: chr21-47545849-T-C.
Other names: c.2120T>C, p.Leu707Pro (NM_058174.3, NM_058175.3); short protein forms L707P.
Identifiers: ClinVar variation 1461294 (VCV001461294.8), dbSNP rs2123663738, ClinGen allele CA410541626.

ClinVar aggregate classification (germline): Uncertain significance (1 of 4 stars; one submission).

Conditions:
Bethlem myopathy 1A. Also called: Bethlem myopathy 1; Bethlem Muscular Dystrophy; MYOPATHY, BENIGN CONGENITAL, WITH CONTRACTURES. Identifiers: Orphanet 610, MedGen CN029274, MONDO:0024530, OMIM 158810.

Submission:

Labcorp Genetics (formerly Invitae), Labcorp
Classification: Uncertain significance for Bethlem myopathy 1A. Last evaluated: 2022-03-18. Review status: criteria provided, single submitter. Criteria: Invitae Variant Classification Sherloc (09022015). Collection method: clinical testing. Allele origin: germline.
Comment: In summary, the available evidence is currently insufficient to determine the role of this variant in disease. Therefore, it has been classified as a Variant of Uncertain Significance. Advanced modeling of protein sequence and biophysical properties (such as structural, functional, and spatial information, amino acid conservation, physicochemical variation, residue mobility, and thermodynamic stability) performed at Invitae indicates that this missense variant is expected to disrupt COL6A2 protein function. This variant has not been reported in the literature in individuals affected with COL6A2-related conditions. This variant is not present in population databases (gnomAD no frequency). This sequence change replaces leucine, which is neutral and non-polar, with proline, which is neutral and non-polar, at codon 707 of the COL6A2 protein (p.Leu707Pro).